The following is an entry in ClinVar:

NM_001386298.1(CIC):c.4352C>T (p.Ser1451Phe)

Gene: CIC (capicua transcriptional repressor; plus strand). Cytogenetic location: 19q13.2.
Variant type: single nucleotide variant.
Coding change: c.4352C>T on transcript NM_001386298.1 (MANE Select); coding-DNA position 4352, C replaced by T.
Protein change: p.Ser1451Phe; replaces serine 1451 with phenylalanine.
Molecular consequence: missense variant.
Genome position (GRCh38, 1-based): chr19:42,290,393, C>T. VCF-style: chr19-42290393-C-T. GRCh37 (hg19) VCF-style: chr19-42794545-C-T.
Other names: c.4352C>T, p.Ser1451Phe (NM_001304815.2, NM_001379480.1, NM_001379482.1); c.1625C>T, p.Ser542Phe (NM_001379484.1, NM_001379485.1, NM_015125.5); short protein forms S1451F, S542F.
Identifiers: ClinVar variation 3771985 (VCV003771985.13).
Genomic context (GRCh38, chr19:42,290,393, plus strand): 5'-TAGCCTTTGGCAAAGGCTATGGTTCCGCCCCATCCTCCTCTGCGTCCTCGCCTGCTTCCT[C>T]CTCAGCCTCGGCAGCCACCTCCTTCTCACTGGGCTCAGGAACCTTCAAGGCCCAGGAGTC-3'
Protein context (NP_001373227.1, residues 1441-1461): PSSSASSPAS[Ser1451Phe]SASAATSFSL

ClinVar aggregate classification (germline): Uncertain significance (1 of 4 stars; one submission).

gnomAD v4.1: 9 of 1,614,014 alleles (0.00056%); highest among the groups gnomAD compares: Non-Finnish European, 0.00068%; no homozygotes.

Submission:

CeGaT Center for Human Genetics Tuebingen
Classification: Uncertain significance. Last evaluated: 2025-02-01. Review status: criteria provided, single submitter. Criteria: CeGaT Center For Human Genetics Tuebingen Variant Classification Criteria Version 2. Collection method: clinical testing. Allele origin: germline. Affected: yes. Observed: 1 variant allele.
Comment: CIC: PM2:Supporting, BP4